The following is an entry in ClinVar:

NM_000143.3(FH):c.-116G>A

Gene: FH (fumarate hydratase; minus strand). Cytogenetic location: 1q43.
Variant type: single nucleotide variant.
Coding change: c.-116G>A on transcript NM_000143.3; 116 bases upstream of the start codon, G replaced by A.
Genome position (GRCh38, 1-based): chr1:241,519,838, C>T on the plus strand (G>A on the coding strand, the complement: FH is on the minus strand). VCF-style: chr1-241519838-C-T. GRCh37 (hg19) VCF-style: chr1-241683138-C-T.
Identifiers: ClinVar variation 676733 (VCV000676733.3), dbSNP rs529496738, ClinGen allele CA40338311.

ClinVar aggregate classification (germline): Likely benign (1 of 4 stars; one submission).

Allele frequency attached by ClinVar (database versions not stated): 1000 Genomes Project 30x 0.00609; 1000 Genomes Project 0.00579; gnomAD 0.00560 and 0.00597; gnomAD exomes 0.00047; TOPMed 0.00669.

Submission:

GeneDx
Classification: Likely benign. Last evaluated: 2018-06-12. Review status: criteria provided, single submitter. Criteria: GeneDx Variant Classification (06012015). Collection method: clinical testing. Allele origin: germline. Affected: yes.
Comment: This variant is considered likely benign or benign based on one or more of the following criteria: it is a conservative change, it occurs at a poorly conserved position in the protein, it is predicted to be benign by multiple in silico algorithms, and/or has population frequency not consistent with disease.